The following is an entry in ClinVar:

NM_130384.3(ATRIP):c.1499T>G (p.Val500Gly)

Genes: ATRIP (ATR interacting protein; plus strand), ATRIP-TREX1 (ATRIP-TREX1 readthrough; plus strand). Cytogenetic location: 3p21.31.
Variant type: single nucleotide variant.
Coding change: c.1499T>G on transcript NM_130384.3 (MANE Select); coding-DNA position 1499, T replaced by G.
Protein change: p.Val500Gly; replaces valine 500 with glycine.
Molecular consequence: missense variant. On other transcripts: non-coding transcript variant (1).
Genome position (GRCh38, 1-based): chr3:48,460,553, T>G. VCF-style: chr3-48460553-T-G. GRCh37 (hg19) VCF-style: chr3-48501952-T-G.
Other names: c.1118T>G, p.Val373Gly (NM_001271022.2); c.1220T>G, p.Val407Gly (NM_001271023.2); c.1499T>G, p.Val500Gly (NM_032166.4); short protein forms V373G, V407G, V500G.
Identifiers: ClinVar variation 3810230 (VCV003810230.1).

ClinVar aggregate classification (germline): Uncertain significance (1 of 4 stars; one submission).

Submission:

Ambry Genetics
Classification: Uncertain significance. Last evaluated: 2025-02-01. Review status: criteria provided, single submitter. Criteria: Ambry Variant Classification Scheme 2023. Collection method: clinical testing. Allele origin: germline.
Comment: The p.V500G variant (also known as c.1499T>G), located in coding exon 8 of the ATRIP gene, results from a T to G substitution at nucleotide position 1499. The valine at codon 500 is replaced by glycine, an amino acid with dissimilar properties. This amino acid position is conserved. In addition, this alteration is predicted to be tolerated by in silico analysis. Based on the available evidence, the clinical significance of this variant remains unclear.